The following is an entry in ClinVar:

NM_001242896.3(DEPDC5):c.2856T>A (p.Cys952Ter)

Gene: DEPDC5 (DEP domain containing 5, GATOR1 subcomplex subunit; plus strand). Cytogenetic location: 22q12.3.
Variant type: single nucleotide variant.
Coding change: c.2856T>A on transcript NM_001242896.3 (MANE Select); coding-DNA position 2856, T replaced by A.
Protein change: p.Cys952Ter; replaces cysteine 952 with a stop codon.
Molecular consequence: nonsense. On other transcripts: non-coding transcript variant (5).
Genome position (GRCh38, 1-based): chr22:31,845,072, T>A. VCF-style: chr22-31845072-T-A. GRCh37 (hg19) VCF-style: chr22-32241058-T-A.
Other names: c.2829T>A, p.Cys943Ter (NM_001136029.4, NM_001369903.1, NM_014662.6); c.2622T>A, p.Cys874Ter (NM_001242897.2, NM_001363854.2, NM_001364319.2); c.2856T>A, p.Cys952Ter (NM_001363852.2, NM_001364318.2, NM_001364320.2); c.2772T>A, p.Cys924Ter (NM_001369901.1, NM_001369902.1); short protein forms C874*, C924*, C943*, C952*.
Identifiers: ClinVar variation 1452064 (VCV001452064.6), dbSNP rs115299174, ClinGen allele CA411291039.

ClinVar aggregate classification (germline): Pathogenic (1 of 4 stars; one submission).

Conditions:
Familial focal epilepsy with variable foci (FPEVF). Identifiers: Orphanet 98820, MedGen C1858477, MONDO:0020310.

Submission:

Labcorp Genetics (formerly Invitae), Labcorp
Classification: Pathogenic for Familial focal epilepsy with variable foci. Last evaluated: 2024-02-18. Review status: criteria provided, single submitter. Criteria: Invitae Variant Classification Sherloc (09022015). Collection method: clinical testing. Allele origin: germline.
Comment: This sequence change creates a premature translational stop signal (p.Cys952*) in the DEPDC5 gene. It is expected to result in an absent or disrupted protein product. Loss-of-function variants in DEPDC5 are known to be pathogenic (PMID: 23542697, 23542701). This variant is not present in population databases (gnomAD no frequency). This variant has not been reported in the literature in individuals affected with DEPDC5-related conditions. ClinVar contains an entry for this variant (Variation ID: 1452064). For these reasons, this variant has been classified as Pathogenic.

Literature cited by the submitters: PubMed 23542697; PubMed 23542701.